The following is an entry in ClinVar:

NM_006446.5(SLCO1B1):c.*328A>G

Gene: SLCO1B1 (solute carrier organic anion transporter family member 1B1; plus strand). Cytogenetic location: 12p12.1.
Variant type: single nucleotide variant.
Coding change: c.*328A>G on transcript NM_006446.5 (MANE Select); 328 bases downstream of the stop codon, A replaced by G.
Molecular consequence: 3 prime UTR variant.
Genome position (GRCh38, 1-based): chr12:21,239,517, A>G. VCF-style: chr12-21239517-A-G. GRCh37 (hg19) VCF-style: chr12-21392451-A-G.
Other names: c.*328A>G (LRG_1022t1).
Identifiers: ClinVar variation 307965 (VCV000307965.5), dbSNP rs4149086, ClinGen allele CA10641575.

ClinVar aggregate classification (germline): Likely benign (1 of 4 stars; one submission).

Conditions:
Rotor syndrome (HBLRR). Also called: HYPERBILIRUBINEMIA, ROTOR TYPE, DIGENIC; HYPERBILIRUBINEMIA, ROTOR TYPE. Identifiers: Orphanet 3111, MedGen C0220991, MONDO:0009379, OMIM 237450.

Allele frequency attached by ClinVar (database versions not stated): gnomAD 0.00042 and 0.00070; TOPMed 0.00081; 1000 Genomes Project 30x 0.00219; 1000 Genomes Project 0.00280.
gnomAD v4.1: 105 of 152,338 alleles (0.069%); highest among the groups gnomAD compares: East Asian, 1.4%; 2 homozygotes.

Submission:

Illumina Laboratory Services, Illumina
Classification: Likely benign for Rotor syndrome. Last evaluated: 2018-01-12. Review status: criteria provided, single submitter. Criteria: ICSL Variant Classification Criteria 13 December 2019. Collection method: clinical testing. Allele origin: germline.
Comment: This variant was observed in the ICSL laboratory as part of a predisposition screen in an ostensibly healthy population. It had not been previously curated by ICSL or reported in the Human Gene Mutation Database (HGMD: prior to June 1st, 2018), and was therefore a candidate for classification through an automated scoring system. Utilizing variant allele frequency, disease prevalence and penetrance estimates, and inheritance mode, an automated score was calculated to assess if this variant is too frequent to cause the disease. Based on the score and internal cut-off values, a variant classified as likely benign is not then subjected to further curation. The score for this variant resulted in a classification of likely benign for this disease.